The following is an entry in ClinVar:

ClinVar aggregate classification (germline): Uncertain significance (1 of 4 stars; one submission).

Submission:

Labcorp Genetics (formerly Invitae), Labcorp
Classification: Uncertain significance. Last evaluated: 2025-07-04. Review status: criteria provided, single submitter. Criteria: Invitae Variant Classification Sherloc (09022015). Collection method: clinical testing. Allele origin: germline.
Comment: This sequence change replaces isoleucine, which is neutral and non-polar, with serine, which is neutral and polar, at codon 1429 of the ANKRD26 protein (p.Ile1429Ser). This variant is not present in population databases (gnomAD no frequency). This variant has not been reported in the literature in individuals affected with ANKRD26-related conditions. An algorithm developed to predict the effect of missense changes on protein structure and function (PolyPhen-2) suggests that this variant is likely to be tolerated. In summary, the available evidence is currently insufficient to determine the role of this variant in disease. Therefore, it has been classified as a Variant of Uncertain Significance.

NM_014915.3(ANKRD26):c.4286T>G (p.Ile1429Ser)

Gene: ANKRD26 (ankyrin repeat domain 26; minus strand). Cytogenetic location: 10p12.1.
Variant type: single nucleotide variant.
Coding change: c.4286T>G on transcript NM_014915.3 (MANE Select); coding-DNA position 4286, T replaced by G.
Protein change: p.Ile1429Ser; replaces isoleucine 1429 with serine.
Molecular consequence: missense variant.
Genome position (GRCh38, 1-based): chr10:27,017,722, A>C on the plus strand (T>G on the coding strand, the complement: ANKRD26 is on the minus strand). VCF-style: chr10-27017722-A-C. GRCh37 (hg19) VCF-style: chr10-27306651-A-C.
Other names: c.4283T>G, p.Ile1428Ser (NM_001256053.2); short protein forms I1429S, I1428S.
Identifiers: ClinVar variation 4712074 (VCV004712074.1).